The following is an entry in ClinVar:

ClinVar aggregate classification (germline): Conflicting classifications of pathogenicity. Review status: criteria provided, conflicting classifications (1 of 4 stars). 2 submissions from 2 submitters: Pathogenic (1); Uncertain significance (1). Last evaluated 2025-12-23.

Conditions:
3-methylcrotonyl-CoA carboxylase 2 deficiency. Also called: METHYLCROTONYLGLYCINURIA, TYPE II; 3 alpha methylcrotonyl-CoA carboxylase 2 deficiency; 3 alpha methylcrotonylglycinuria 2; MCC 2 deficiency; Methylcrotonylglycinuria type 2. Identifiers: Orphanet 6, MedGen C1859499, MONDO:0008862, OMIM 210210.

Allele frequency attached by ClinVar (database versions not stated): TOPMed below 0.00001; gnomAD 0.00001.
gnomAD v4.1: 1 of 1,614,066 alleles (0.000062%); no homozygotes.

Submissions (2):

Labcorp Genetics (formerly Invitae), Labcorp
Classification: Pathogenic for 3-methylcrotonyl-CoA carboxylase 2 deficiency. Last evaluated: 2025-12-23. Review status: criteria provided, single submitter. Criteria: Invitae Variant Classification Sherloc (09022015). Collection method: clinical testing. Allele origin: germline.
Comment: This sequence change replaces tyrosine, which is neutral and polar, with cysteine, which is neutral and slightly polar, at codon 169 of the MCCC2 protein (p.Tyr169Cys). This variant is not present in population databases (gnomAD no frequency). This missense change has been observed in individual(s) with 3-methylcrotonyl-CoA carboxylase deficiency (internal data). In at least one individual the data is consistent with being in trans (on the opposite chromosome) from a pathogenic variant. It has also been observed to segregate with disease in related individuals. ClinVar contains an entry for this variant (Variation ID: 652543). Invitae Evidence Modeling of protein sequence and biophysical properties (such as structural, functional, and spatial information, amino acid conservation, physicochemical variation, residue mobility, and thermodynamic stability) indicates that this missense variant is expected to disrupt MCCC2 protein function with a positive predictive value of 80%. For these reasons, this variant has been classified as Pathogenic.

GeneDx
Classification: Uncertain significance. Last evaluated: 2025-06-27. Review status: criteria provided, single submitter. Criteria: GeneDx Variant Classification Process June 2021. Collection method: clinical testing. Allele origin: germline. Affected: yes.
Comment: Not observed at significant frequency in large population cohorts (gnomAD); In silico analysis supports that this missense variant has a deleterious effect on protein structure/function; This variant is associated with the following publications: (PMID: 38146699)

NM_022132.5(MCCC2):c.506A>G (p.Tyr169Cys)

Gene: MCCC2 (methylcrotonyl-CoA carboxylase subunit 2; plus strand). Cytogenetic location: 5q13.2.
Variant type: single nucleotide variant.
Coding change: c.506A>G on transcript NM_022132.5 (MANE Select); coding-DNA position 506, A replaced by G.
Protein change: p.Tyr169Cys; replaces tyrosine 169 with cysteine.
Molecular consequence: missense variant.
Genome position (GRCh38, 1-based): chr5:71,602,628, A>G. VCF-style: chr5-71602628-A-G. GRCh37 (hg19) VCF-style: chr5-70898455-A-G.
Other names: c.506A>G, p.Tyr169Cys (NM_001363147.1); short protein forms Y169C.
Identifiers: ClinVar variation 652543 (VCV000652543.7), dbSNP rs1580281124, ClinGen allele CA360011087.